The following is an entry in ClinVar:

ClinVar aggregate classification (germline): Uncertain significance. Review status: criteria provided, multiple submitters, no conflicts (2 of 4 stars). 2 submissions from 2 submitters: Uncertain significance (2). Last evaluated 2024-05-17.

Allele frequency attached by ClinVar (database versions not stated): gnomAD exomes 0.00001; gnomAD 0.00002; TOPMed 0.00003.

Submissions (2):

GeneDx
Classification: Uncertain significance. Last evaluated: 2024-05-17. Review status: criteria provided, single submitter. Criteria: GeneDx Variant Classification Process June 2021. Collection method: clinical testing. Allele origin: germline. Affected: yes.
Comment: Not observed at significant frequency in large population cohorts (gnomAD); In silico analysis indicates that this missense variant does not alter protein structure/function; Has not been previously published as pathogenic or benign to our knowledge

Labcorp Genetics (formerly Invitae), Labcorp
Classification: Uncertain significance. Last evaluated: 2022-08-09. Review status: criteria provided, single submitter. Criteria: Invitae Variant Classification Sherloc (09022015). Collection method: clinical testing. Allele origin: germline.
Comment: This sequence change replaces alanine, which is neutral and non-polar, with valine, which is neutral and non-polar, at codon 95 of the TSFM protein (p.Ala95Val). The frequency data for this variant in the population databases is considered unreliable, as metrics indicate poor data quality at this position in the gnomAD database. This variant has not been reported in the literature in individuals affected with TSFM-related conditions. Algorithms developed to predict the effect of missense changes on protein structure and function output the following: SIFT: "Tolerated"; PolyPhen-2: "Benign"; Align-GVGD: "Class C0". The valine amino acid residue is found in multiple mammalian species, which suggests that this missense change does not adversely affect protein function. In summary, the available evidence is currently insufficient to determine the role of this variant in disease. Therefore, it has been classified as a Variant of Uncertain Significance.

NM_005726.6(TSFM):c.284C>T (p.Ala95Val)

Gene: TSFM (Ts translation elongation factor, mitochondrial; plus strand). Cytogenetic location: 12q14.1.
Variant type: single nucleotide variant.
Coding change: c.284C>T on transcript NM_005726.6 (MANE Select); coding-DNA position 284, C replaced by T.
Protein change: p.Ala95Val; replaces alanine 95 with valine.
Molecular consequence: missense variant.
Genome position (GRCh38, 1-based): chr12:57,786,215, C>T. VCF-style: chr12-57786215-C-T. GRCh37 (hg19) VCF-style: chr12-58179998-C-T.
Other names: c.284C>T, p.Ala95Val (NM_001172695.2, NM_001172696.2, NM_001172697.2); c.284C>T (NM_001172696.1); short protein forms A95V.
Identifiers: ClinVar variation 2420165 (VCV002420165.4), dbSNP rs759767435, ClinGen allele CA6659312.